The following is an entry in ClinVar:

NM_001737.5(C9):c.238G>A (p.Asp80Asn)

Gene: C9 (complement C9; minus strand). Cytogenetic location: 5p13.1.
Variant type: single nucleotide variant.
Coding change: c.238G>A on transcript NM_001737.5 (MANE Select); coding-DNA position 238, G replaced by A.
Protein change: p.Asp80Asn; replaces aspartic acid 80 with asparagine.
Molecular consequence: missense variant.
Genome position (GRCh38, 1-based): chr5:39,341,646, C>T on the plus strand (G>A on the coding strand, the complement: C9 is on the minus strand). VCF-style: chr5-39341646-C-T. GRCh37 (hg19) VCF-style: chr5-39341748-C-T.
Other names: short protein forms D80N.
Identifiers: ClinVar variation 787285 (VCV000787285.12), dbSNP rs115196369, ClinGen allele CA3247083.

ClinVar aggregate classification (germline): Likely benign. Review status: criteria provided, multiple submitters, no conflicts (2 of 4 stars). 4 submissions from 4 submitters: Likely benign (4). Last evaluated 2026-04-08.

Allele frequency attached by ClinVar (database versions not stated): gnomAD exomes 0.00021 and 0.00049; ExAC 0.00067; gnomAD 0.00213 and 0.00223; ESP Exome Variant Server 0.00238; TOPMed 0.00239; 1000 Genomes Project 0.00399; 1000 Genomes Project 30x 0.00406.

Submissions (4):

Women's Health and Genetics/Laboratory Corporation of America, LabCorp
Classification: Likely benign. Last evaluated: 2026-04-08. Review status: criteria provided, single submitter. Criteria: LabCorp Variant Classification Summary - May 2015. Collection method: clinical testing. Allele origin: germline.
Comment: Variant summary: C9 c.238G>A (p.Asp80Asn) results in a conservative amino acid change in the encoded protein sequence. Algorithms developed to predict the effect of missense changes on protein structure and function all suggest that this variant is likely to be tolerated. The variant allele was found at a frequency of 0.00049 in 251482 control chromosomes, predominantly at a frequency of 0.0073 within the African or African-American subpopulation in the gnomAD database, including 1 homozygotes. The observed variant frequency within African or African-American control individuals in the gnomAD database exceeds the estimated maximal expected allele frequency for disease-causing variants in C9. To our knowledge, no occurrence of c.238G>A in individuals affected with C9-related conditions and no experimental evidence demonstrating its impact on protein function have been reported. ClinVar contains an entry for this variant (Variation ID: 787285). Based on the evidence outlined above, the variant was classified as likely benign.

Labcorp Genetics (formerly Invitae), Labcorp
Classification: Likely benign. Last evaluated: 2026-01-27. Review status: criteria provided, single submitter. Criteria: Invitae Variant Classification Sherloc (09022015). Collection method: clinical testing. Allele origin: germline.

Blueprint Genetics
Classification: Likely benign. Last evaluated: 2024-06-11. Review status: criteria provided, single submitter. Criteria: ACMG Guidelines, 2015. Collection method: clinical testing. Allele origin: germline.

Breakthrough Genomics
Classification: Likely benign. Review status: criteria provided, single submitter. Criteria: ACMG Guidelines, 2015. Collection method: not provided. Allele origin: germline. Inheritance: Autosomal dominant inheritance. Affected: yes.